The following is an entry in ClinVar:

NM_001366385.1(CARD14):c.1860C>T (p.Tyr620=)

Genes: CARD14 (caspase recruitment domain family member 14; plus strand), SGSH (N-sulfoglucosamine sulfohydrolase; minus strand). Cytogenetic location: 17q25.3.
Variant type: single nucleotide variant.
Coding change: c.1860C>T on transcript NM_001366385.1 (MANE Select); coding-DNA position 1860, C replaced by T.
Protein change: p.Tyr620=; no amino-acid change (tyrosine 620 retained).
Molecular consequence: synonymous variant. On other transcripts: non-coding transcript variant (1).
Genome position (GRCh38, 1-based): chr17:80,201,752, C>T. VCF-style: chr17-80201752-C-T. GRCh37 (hg19) VCF-style: chr17-78175551-C-T.
Other names: c.1860C>T, p.Tyr620= (NM_001257970.1, NM_024110.4).
Identifiers: ClinVar variation 1091828 (VCV001091828.34), dbSNP rs148265488, ClinGen allele CA8817106.

ClinVar aggregate classification (germline): Likely benign. Review status: criteria provided, multiple submitters, no conflicts (2 of 4 stars). 3 submissions from 3 submitters: Likely benign (3). Last evaluated 2025-12-01.

Conditions:
Pityriasis rubra pilaris (PRP). Also called: Pityriasis rubra pilaris--familial type. Identifiers: Orphanet 2897, MedGen C0032027, MONDO:0100017, OMIM 173200, MONDO:0008251.
Psoriasis 2. Identifiers: MedGen C1864497, MONDO:0011269, OMIM 602723.

Allele frequency attached by ClinVar (database versions not stated): gnomAD exomes 0.00002 and 0.00005; TOPMed 0.00003; ExAC 0.00007; ESP Exome Variant Server 0.00008.
gnomAD v4.1: 29 of 1,613,942 alleles (0.0018%); highest among the groups gnomAD compares: Admixed American, 0.017%; 1 homozygote.

Submissions (3):

CeGaT Center for Human Genetics Tuebingen
Classification: Likely benign. Last evaluated: 2025-12-01. Review status: criteria provided, single submitter. Criteria: CeGaT Center For Human Genetics Tuebingen Variant Classification Criteria Version 2. Collection method: clinical testing. Allele origin: germline. Affected: yes. Observed: 2 variant alleles.
Comment: CARD14: BP4, BP7

Labcorp Genetics (formerly Invitae), Labcorp
Classification: Likely benign for Pityriasis rubra pilaris; Psoriasis 2. Last evaluated: 2025-03-31. Review status: criteria provided, single submitter. Criteria: Invitae Variant Classification Sherloc (09022015). Collection method: clinical testing. Allele origin: germline.

Blueprint Genetics
Classification: Likely benign. Last evaluated: 2024-02-15. Review status: criteria provided, single submitter. Criteria: ACMG Guidelines, 2015. Collection method: clinical testing. Allele origin: germline.